The following is an entry in ClinVar:

NM_014049.5(ACAD9):c.1288_1291dup (p.Ile431fs)

Gene: ACAD9 (acyl-CoA dehydrogenase family member 9; plus strand). Cytogenetic location: 3q21.3.
Variant type: Microsatellite.
Coding change: c.1288_1291dup on transcript NM_014049.5 (MANE Select); coding-DNA positions 1288 to 1291, 4 bases duplicated (GAGA; older notation c.1288_1291dupGAGA).
Protein change: p.Ile431fs; shifts the reading frame from isoleucine 431.
Molecular consequence: frameshift variant. On other transcripts: non-coding transcript variant (1).
Genome position (GRCh38, 1-based): chr3:128,908,194-128,908,197, GAGA duplicated. VCF-style (leftmost placement, unchanged base first): chr3-128908193-T-TGAGA. GRCh37 (hg19) VCF-style: chr3-128627036-T-TGAGA.
Other names: short protein forms I431fs.
Identifiers: ClinVar variation 1430768 (VCV001430768.7), dbSNP rs2107661371, ClinGen allele CA2580616531.

ClinVar aggregate classification (germline): Pathogenic/Likely pathogenic. Review status: criteria provided, multiple submitters, no conflicts (2 of 4 stars). 2 submissions from 2 submitters: Pathogenic (1); Likely pathogenic (1). Last evaluated 2024-05-09.

Conditions:
Acyl-CoA dehydrogenase 9 deficiency. Also called: MITOCHONDRIAL COMPLEX I DEFICIENCY, NUCLEAR TYPE 20; Acyl-CoA dehydrogenase family, member 9, deficiency of. Identifiers: Orphanet 99901, MedGen C4747517, MONDO:0012624, OMIM 611126.

Submissions (2):

Labcorp Genetics (formerly Invitae), Labcorp
Classification: Pathogenic. Last evaluated: 2024-05-09. Review status: criteria provided, single submitter. Criteria: Invitae Variant Classification Sherloc (09022015). Collection method: clinical testing. Allele origin: germline.
Comment: This sequence change creates a premature translational stop signal (p.Ile431Argfs*25) in the ACAD9 gene. It is expected to result in an absent or disrupted protein product. Loss-of-function variants in ACAD9 are known to be pathogenic (PMID: 25721401). This variant is not present in population databases (gnomAD no frequency). This variant has not been reported in the literature in individuals affected with ACAD9-related conditions. For these reasons, this variant has been classified as Pathogenic.

Baylor Genetics
Classification: Likely pathogenic for Acyl-CoA dehydrogenase 9 deficiency. Last evaluated: 2023-07-15. Review status: criteria provided, single submitter. Criteria: ACMG Guidelines, 2015. Collection method: clinical testing. Allele origin: unknown.

Literature cited by the submitters: PubMed 25721401 (cited by Labcorp Genetics (formerly Invitae), Labcorp).